The following is an entry in ClinVar:

NM_003719.5(PDE8B):c.1317G>A (p.Pro439=)

Gene: PDE8B (phosphodiesterase 8B; plus strand). Cytogenetic location: 5q13.3.
Variant type: single nucleotide variant.
Coding change: c.1317G>A on transcript NM_003719.5 (MANE Select); coding-DNA position 1317, G replaced by A.
Protein change: p.Pro439=; no amino-acid change (proline 439 retained).
Molecular consequence: synonymous variant.
Genome position (GRCh38, 1-based): chr5:77,407,409, G>A. VCF-style: chr5-77407409-G-A. GRCh37 (hg19) VCF-style: chr5-76703234-G-A.
Other names: c.1026G>A, p.Pro342= (NM_001029851.4); c.1317G>A, p.Pro439= (NM_001029852.4); c.1257G>A, p.Pro419= (NM_001029853.4); c.1176G>A, p.Pro392= (NM_001029854.4); c.1314G>A, p.Pro438= (NM_001349748.3, NM_001349751.3); c.1380G>A, p.Pro460= (NM_001349749.3); c.1077G>A, p.Pro359= (NM_001349750.3); c.1011G>A, p.Pro337= (NM_001349752.3); and 12 more.
Identifiers: ClinVar variation 354161 (VCV000354161.14), dbSNP rs754763694, ClinGen allele CA3315240.

ClinVar aggregate classification (germline): Likely benign. Review status: criteria provided, multiple submitters, no conflicts (2 of 4 stars). 2 submissions from 2 submitters: Likely benign (2). Last evaluated 2022-12-27.

Conditions:
Autosomal dominant striatal neurodegeneration type 1. Identifiers: Orphanet 228169, MedGen C4310808, MONDO:0012205, OMIM 609161.

Allele frequency attached by ClinVar (database versions not stated): TOPMed 0.00003; ExAC 0.00006; gnomAD exomes 0.00006; gnomAD 0.00010.
gnomAD v4.1: 89 of 1,613,936 alleles (0.0055%); highest among the groups gnomAD compares: East Asian, 0.011%; 1 homozygote.

Submissions (2):

Labcorp Genetics (formerly Invitae), Labcorp
Classification: Likely benign. Last evaluated: 2022-12-27. Review status: criteria provided, single submitter. Criteria: Invitae Variant Classification Sherloc (09022015). Collection method: clinical testing. Allele origin: germline.

Illumina Laboratory Services, Illumina
Classification: Likely benign for Autosomal dominant striatal neurodegeneration type 1. Last evaluated: 2018-01-13. Review status: criteria provided, single submitter. Criteria: ICSL Variant Classification Criteria 13 December 2019. Collection method: clinical testing. Allele origin: germline.
Comment: This variant was observed in the ICSL laboratory as part of a predisposition screen in an ostensibly healthy population. It had not been previously curated by ICSL or reported in the Human Gene Mutation Database (HGMD: prior to June 1st, 2018), and was therefore a candidate for classification through an automated scoring system. Utilizing variant allele frequency, disease prevalence and penetrance estimates, and inheritance mode, an automated score was calculated to assess if this variant is too frequent to cause the disease. Based on the score and internal cut-off values, a variant classified as likely benign is not then subjected to further curation. The score for this variant resulted in a classification of likely benign for this disease.